The following is an entry in ClinVar:

NM_017654.4(SAMD9):c.3814G>C (p.Asp1272His)

Gene: SAMD9 (sterile alpha motif domain containing 9; minus strand). Cytogenetic location: 7q21.2.
Variant type: single nucleotide variant.
Coding change: c.3814G>C on transcript NM_017654.4 (MANE Select); coding-DNA position 3814, G replaced by C.
Protein change: p.Asp1272His; replaces aspartic acid 1272 with histidine.
Molecular consequence: missense variant.
Genome position (GRCh38, 1-based): chr7:93,102,284, C>G on the plus strand (G>C on the coding strand, the complement: SAMD9 is on the minus strand). VCF-style: chr7-93102284-C-G. GRCh37 (hg19) VCF-style: chr7-92731597-C-G.
Other names: c.3814G>C, p.Asp1272His (NM_001193307.2); short protein forms D1272H.
Identifiers: ClinVar variation 3370667 (VCV003370667.4).

ClinVar aggregate classification (germline): Uncertain significance. Review status: criteria provided, multiple submitters, no conflicts (2 of 4 stars). 3 submissions from 3 submitters: Uncertain significance (3). Last evaluated 2025-02-02.

Conditions:
Inborn genetic diseases. Identifiers: MedGen C0950123, MeSH D030342.

gnomAD v4.1: 1 of 1,611,856 alleles (0.000062%); highest among the groups gnomAD compares: Non-Finnish European, 0.000085%; no homozygotes.

Submissions (3):

Ambry Genetics
Classification: Uncertain significance for Inborn genetic diseases. Last evaluated: 2025-02-02. Review status: criteria provided, single submitter. Criteria: Ambry Variant Classification Scheme 2023. Collection method: clinical testing. Allele origin: germline.
Comment: The p.D1272H variant (also known as c.3814G>C), located in coding exon 1 of the SAMD9 gene, results from a G to C substitution at nucleotide position 3814. The aspartic acid at codon 1272 is replaced by histidine, an amino acid with similar properties. This amino acid position is conserved. In addition, this alteration is predicted to be tolerated by in silico analysis. Based on the available evidence, the clinical significance of this variant remains unclear.

Labcorp Genetics (formerly Invitae), Labcorp
Classification: Uncertain significance. Last evaluated: 2024-10-12. Review status: criteria provided, single submitter. Criteria: Invitae Variant Classification Sherloc (09022015). Collection method: clinical testing. Allele origin: germline.
Comment: This sequence change replaces aspartic acid, which is acidic and polar, with histidine, which is basic and polar, at codon 1272 of the SAMD9 protein (p.Asp1272His). This variant is not present in population databases (gnomAD no frequency). This variant has not been reported in the literature in individuals affected with SAMD9-related conditions. Invitae Evidence Modeling of protein sequence and biophysical properties (such as structural, functional, and spatial information, amino acid conservation, physicochemical variation, residue mobility, and thermodynamic stability) has been performed for this missense variant. However, the output from this modeling did not meet the statistical confidence thresholds required to predict the impact of this variant on SAMD9 protein function. In summary, the available evidence is currently insufficient to determine the role of this variant in disease. Therefore, it has been classified as a Variant of Uncertain Significance.

GeneDx
Classification: Uncertain significance. Last evaluated: 2024-03-07. Review status: criteria provided, single submitter. Criteria: GeneDx Variant Classification Process June 2021. Collection method: clinical testing. Allele origin: germline. Affected: yes.
Comment: Not observed at significant frequency in large population cohorts (gnomAD); In silico analysis supports that this missense variant does not alter protein structure/function; Has not been previously published as pathogenic or benign to our knowledge